The following is an entry in ClinVar:

NM_003906.5(MCM3AP):c.832G>T (p.Val278Phe)

Gene: MCM3AP (minichromosome maintenance complex component 3 associated protein; minus strand). Cytogenetic location: 21q22.3.
Variant type: single nucleotide variant.
Coding change: c.832G>T on transcript NM_003906.5 (MANE Select); coding-DNA position 832, G replaced by T.
Protein change: p.Val278Phe; replaces valine 278 with phenylalanine.
Molecular consequence: missense variant.
Genome position (GRCh38, 1-based): chr21:46,284,455, C>A on the plus strand (G>T on the coding strand, the complement: MCM3AP is on the minus strand). VCF-style: chr21-46284455-C-A. GRCh37 (hg19) VCF-style: chr21-47704369-C-A.
Other names: c.832G>T (NM_003906.4); short protein forms V278F.
Identifiers: ClinVar variation 2168801 (VCV002168801.6), dbSNP rs562887328, ClinGen allele CA10077255.
Genomic context (GRCh38, chr21:46,284,455, plus strand): 5'-CCTGGTCCTCCTTCCTTTTCAGTCCTTTCATTAGGCTGGGAAGTGGTTCCACCTGGGAAA[C>A]AGCTTCTTCACACCCCTGCCTGACACCTGCTTTGCTAGCCTGGAAAGGTTCGCCCAAAAC-3'
Protein context (NP_003897.2, residues 268-288): AGVRQGCEEA[Val278Phe]SQVEPLPSLM

ClinVar aggregate classification (germline): Likely benign. Review status: criteria provided, single submitter (1 of 4 stars). 2 submissions from 2 submitters: Likely benign (1). 1 of the submissions does not count toward it. Last evaluated 2025-12-01.

Conditions:
MCM3AP-related disorder. Also called: MCM3AP-related condition.

Allele frequency attached by ClinVar (database versions not stated): gnomAD 0.00017; ExAC 0.00052; 1000 Genomes Project 0.00140; 1000 Genomes Project 30x 0.00141.
gnomAD v4.1: 406 of 1,614,154 alleles (0.025%); highest among the groups gnomAD compares: South Asian, 0.43%; 6 homozygotes.

Submissions (2):

Labcorp Genetics (formerly Invitae), Labcorp
Classification: Likely benign. Last evaluated: 2025-12-01. Review status: criteria provided, single submitter. Criteria: Invitae Variant Classification Sherloc (09022015). Collection method: clinical testing. Allele origin: germline.

PreventionGenetics, part of Exact Sciences
Classification: Likely benign for MCM3AP-related condition. Last evaluated: 2022-02-13. Review status: no assertion criteria provided. Collection method: clinical testing. Allele origin: germline. Not counted in ClinVar's aggregate classification.
Comment: This variant is classified as likely benign based on ACMG/AMP sequence variant interpretation guidelines (Richards et al. 2015 PMID: 25741868, with internal and published modifications).